The following is an entry in ClinVar:

NM_139276.3(STAT3):c.1140-3C>T

Gene: STAT3 (signal transducer and activator of transcription 3; minus strand). Cytogenetic location: 17q21.2.
Variant type: single nucleotide variant.
Coding change: c.1140-3C>T on transcript NM_139276.3 (MANE Select); 3 bases into the intron before coding-DNA position 1140, C replaced by T.
Molecular consequence: intron variant.
Genome position (GRCh38, 1-based): chr17:42,329,650, G>A on the plus strand (C>T on the coding strand, the complement: STAT3 is on the minus strand). VCF-style: chr17-42329650-G-A. GRCh37 (hg19) VCF-style: chr17-40481668-G-A.
Other names: c.1044-3C>T (NM_001384989.1); c.1080-3C>T (NM_001384992.1); c.1140-3C>T (NM_001384984.1, NM_001369519.1, NM_003150.4 and 12 more transcripts); c.1062-3C>T (NM_001384985.1); c.1155-3C>T (NM_001384986.1, NM_001384990.1).
Identifiers: ClinVar variation 2930118 (VCV002930118.3), dbSNP rs201833309, ClinGen allele CA8575420.

ClinVar aggregate classification (germline): Uncertain significance (1 of 4 stars; one submission).

Conditions:
Hyper-IgE recurrent infection syndrome 1, autosomal dominant. Also called: STAT3 Hyper IgE Syndrome; Hyper-IgE recurrent infection syndrome 1; JOB SYNDROME; HYPER-IgE SYNDROME 1, AUTOSOMAL DOMINANT, WITH RECURRENT INFECTIONS; Job's Syndrome. Identifiers: Orphanet 2314, MedGen C2936739, MONDO:0007818, OMIM 147060.
STAT3 gain of function. Identifiers: MedGen C4288261.

Allele frequency attached by ClinVar (database versions not stated): TOPMed below 0.00001; ExAC 0.00001; gnomAD exomes 0.00001.
gnomAD v4.1: 8 of 1,614,190 alleles (0.0005%); highest among the groups gnomAD compares: Non-Finnish European, 0.00068%; no homozygotes.

Submission:

Labcorp Genetics (formerly Invitae), Labcorp
Classification: Uncertain significance for STAT3 gain of function; Hyper-IgE recurrent infection syndrome 1, autosomal dominant. Last evaluated: 2025-03-31. Review status: criteria provided, single submitter. Criteria: Invitae Variant Classification Sherloc (09022015). Collection method: clinical testing. Allele origin: germline.
Comment: This sequence change falls in intron 12 of the STAT3 gene. It does not directly change the encoded amino acid sequence of the STAT3 protein. It affects a nucleotide within the consensus splice site. This variant is present in population databases (rs201833309, gnomAD 0.0009%). This variant has not been reported in the literature in individuals affected with STAT3-related conditions. ClinVar contains an entry for this variant (Variation ID: 2930118). Variants that disrupt the consensus splice site are a relatively common cause of aberrant splicing (PMID: 17576681, 9536098). Algorithms developed to predict the effect of sequence changes on RNA splicing suggest that this variant is not likely to affect RNA splicing. This variant disrupts the c.1140-3C nucleotide in the STAT3 gene. Other variant(s) that disrupt this nucleotide have been determined to be pathogenic (PMID: 29803798). This suggests that this nucleotide is clinically significant, and that variants that disrupt this position are likely to be disease-causing. In summary, the available evidence is currently insufficient to determine the role of this variant in disease. Therefore, it has been classified as a Variant of Uncertain Significance.

Literature cited by the submitters: PubMed 17576681; PubMed 9536098; PubMed 29803798.